The following is an entry in ClinVar:

ClinVar aggregate classification (germline): Likely benign (1 of 4 stars; one submission).

Allele frequency attached by ClinVar (database versions not stated): ExAC 0.00001; TOPMed 0.00003; gnomAD 0.00011.
gnomAD v4.1: 34 of 1,614,054 alleles (0.0021%); highest among the groups gnomAD compares: Non-Finnish European, 0.0027%; no homozygotes.

Submission:

CeGaT Center for Human Genetics Tuebingen
Classification: Likely benign. Last evaluated: 2022-11-01. Review status: criteria provided, single submitter. Criteria: CeGaT Center For Human Genetics Tuebingen Variant Classification Criteria Version 2. Collection method: clinical testing. Allele origin: germline. Affected: yes. Observed: 1 variant allele.
Comment: PUS7: BP4, BP7

NM_019042.5(PUS7):c.330T>C (p.Thr110=)

Gene: PUS7 (pseudouridine synthase 7; minus strand). Cytogenetic location: 7q22.3.
Variant type: single nucleotide variant.
Coding change: c.330T>C on transcript NM_019042.5 (MANE Select); coding-DNA position 330, T replaced by C.
Protein change: p.Thr110=; no amino-acid change (threonine 110 retained).
Molecular consequence: synonymous variant.
Genome position (GRCh38, 1-based): chr7:105,508,183, A>G on the plus strand (T>C on the coding strand, the complement: PUS7 is on the minus strand). VCF-style: chr7-105508183-A-G. GRCh37 (hg19) VCF-style: chr7-105148630-A-G.
Other names: c.330T>C, p.Thr110= (NM_001318163.1, NM_001318164.2).
Identifiers: ClinVar variation 2657917 (VCV002657917.24), dbSNP rs747241648, ClinGen allele CA4426231.
Genomic context (GRCh38, chr7:105,508,183, plus strand): 5'-TAAGATTCCCGAGAACCCTTGATGAGAACTCACAAACTTGGTGATGCCTACGTCAGCCTC[A>G]GTGAGTCCATGCTTCATCATGTCTGCAAAACTCTCTGATTCCTCCTCCTCGCACTCCTCT-3'
Protein context (NP_061915.2, residues 100-120): SFADMMKHGL[Thr110=]EADVGITKFV